The following is an entry in ClinVar:

ClinVar aggregate classification (germline): Uncertain significance (1 of 4 stars; one submission).

gnomAD v4.1: 1 of 1,613,596 alleles (0.000062%); highest among the groups gnomAD compares: Non-Finnish European, 0.000085%; no homozygotes.

Submission:

GeneDx
Classification: Uncertain significance. Last evaluated: 2025-01-12. Review status: criteria provided, single submitter. Criteria: GeneDx Variant Classification Process June 2021. Collection method: clinical testing. Allele origin: germline. Affected: yes.
Comment: Not observed at significant frequency in large population cohorts (gnomAD); In silico analysis indicates that this missense variant does not alter protein structure/function; Has not been previously published as pathogenic or benign to our knowledge

NM_145239.3(PRRT2):c.773G>C (p.Gly258Ala)

Genes: MVP-DT (MVP divergent transcript; minus strand), PRRT2 (proline rich transmembrane protein 2; plus strand). Cytogenetic location: 16p11.2.
Variant type: single nucleotide variant.
Coding change: c.773G>C on transcript NM_145239.3 (MANE Select); coding-DNA position 773, G replaced by C.
Protein change: p.Gly258Ala; replaces glycine 258 with alanine.
Molecular consequence: missense variant.
Genome position (GRCh38, 1-based): chr16:29,813,827, G>C. VCF-style: chr16-29813827-G-C. GRCh37 (hg19) VCF-style: chr16-29825148-G-C.
Other names: c.773G>C, p.Gly258Ala (NM_001256442.2, NM_001256443.2); short protein forms G258A.
Identifiers: ClinVar variation 4057171 (VCV004057171.1).